The following is an entry in ClinVar:

NM_032545.4(CFC1):c.606G>C (p.Leu202=)

Gene: CFC1 (cryptic, EGF-CFC family member 1; minus strand). Cytogenetic location: 2q21.1.
Variant type: single nucleotide variant.
Coding change: c.606G>C on transcript NM_032545.4 (MANE Select); coding-DNA position 606, G replaced by C.
Protein change: p.Leu202=; no amino-acid change (leucine 202 retained).
Molecular consequence: synonymous variant. On other transcripts: missense variant (1).
Genome position (GRCh38, 1-based): chr2:130,592,943, C>G on the plus strand (G>C on the coding strand, the complement: CFC1 is on the minus strand). VCF-style: chr2-130592943-C-G. GRCh37 (hg19) VCF-style: chr2-131350516-C-G.
Other names: p.L202L:CTG>CTC; c.491G>C, p.Trp164Ser (NM_001270420.2); c.381G>C, p.Leu127= (NM_001270421.2); short protein forms W164S.
Identifiers: ClinVar variation 136738 (VCV000136738.5), dbSNP rs587780887, ClinGen allele CA290060.

ClinVar aggregate classification (germline): Benign/Likely benign. Review status: criteria provided, multiple submitters, no conflicts (2 of 4 stars). 4 submissions from 4 submitters: Benign (1); Likely benign (1). 2 of the submissions do not count toward it. Last evaluated 2024-11-13.

Allele frequency attached by ClinVar (database versions not stated): gnomAD exomes 0.00865; gnomAD 0.01351; 1000 Genomes Project 30x 0.04044.

Submissions (4):

Blueprint Genetics
Classification: Likely benign. Last evaluated: 2024-11-13. Review status: criteria provided, single submitter. Criteria: ACMG Guidelines, 2015. Collection method: clinical testing. Allele origin: germline.

GeneDx
Classification: Benign. Last evaluated: 2013-01-16. Review status: criteria provided, single submitter. Criteria: GeneDx Variant Classification (06012015). Collection method: clinical testing. Allele origin: germline. Affected: yes.
Comment: This variant is considered likely benign or benign based on one or more of the following criteria: it is a conservative change, it occurs at a poorly conserved position in the protein, it is predicted to be benign by multiple in silico algorithms, and/or has population frequency not consistent with disease.

Genome Diagnostics Laboratory, University Medical Center Utrecht
Classification: Likely benign. Review status: no assertion criteria provided. Collection method: clinical testing. Allele origin: germline. Affected: yes. Study: VKGL Data-share Consensus. Not counted in ClinVar's aggregate classification.

Joint Genome Diagnostic Labs from Nijmegen and Maastricht, Radboudumc and MUMC+
Classification: Likely benign. Review status: no assertion criteria provided. Collection method: clinical testing. Allele origin: germline. Affected: yes. Study: VKGL Data-share Consensus. Not counted in ClinVar's aggregate classification.